The following is an entry in ClinVar:

ClinVar aggregate classification (germline): Uncertain significance. Review status: criteria provided, multiple submitters, no conflicts (2 of 4 stars). 2 submissions from 2 submitters: Uncertain significance (2). Last evaluated 2025-05-15.

Conditions:
Inborn genetic diseases. Identifiers: MedGen C0950123, MeSH D030342.

Submissions (2):

Ambry Genetics
Classification: Uncertain significance for Inborn genetic diseases. Last evaluated: 2025-05-15. Review status: criteria provided, single submitter. Criteria: Ambry Variant Classification Scheme 2023. Collection method: clinical testing. Allele origin: germline.

Labcorp Genetics (formerly Invitae), Labcorp
Classification: Uncertain significance. Last evaluated: 2024-10-08. Review status: criteria provided, single submitter. Criteria: Invitae Variant Classification Sherloc (09022015). Collection method: clinical testing. Allele origin: germline.
Comment: This sequence change replaces arginine, which is basic and polar, with glutamine, which is neutral and polar, at codon 337 of the FAR1 protein (p.Arg337Gln). This variant is not present in population databases (gnomAD no frequency). This variant has not been reported in the literature in individuals affected with FAR1-related conditions. Invitae Evidence Modeling of protein sequence and biophysical properties (such as structural, functional, and spatial information, amino acid conservation, physicochemical variation, residue mobility, and thermodynamic stability) indicates that this missense variant is not expected to disrupt FAR1 protein function with a negative predictive value of 80%. In summary, the available evidence is currently insufficient to determine the role of this variant in disease. Therefore, it has been classified as a Variant of Uncertain Significance.

NM_032228.6(FAR1):c.1010G>A (p.Arg337Gln)

Gene: FAR1 (fatty acyl-CoA reductase 1; plus strand). Cytogenetic location: 11p15.3.
Variant type: single nucleotide variant.
Coding change: c.1010G>A on transcript NM_032228.6 (MANE Select); coding-DNA position 1010, G replaced by A.
Protein change: p.Arg337Gln; replaces arginine 337 with glutamine.
Molecular consequence: missense variant.
Genome position (GRCh38, 1-based): chr11:13,714,563, G>A. VCF-style: chr11-13714563-G-A. GRCh37 (hg19) VCF-style: chr11-13736110-G-A.
Other names: c.1010G>A (NM_032228.5); short protein forms R337Q.
Identifiers: ClinVar variation 3706384 (VCV003706384.3).